The following is an entry in ClinVar:

NM_000179.3(MSH6):c.1502_1511del (p.His501fs)

Gene: MSH6 (mutS homolog 6; plus strand). Cytogenetic location: 2p16.3.
Variant type: Deletion.
Coding change: c.1502_1511del on transcript NM_000179.3 (MANE Select); coding-DNA positions 1502 to 1511, 10 bases deleted (ATATATCCAA; older notation c.1502_1511delATATATCCAA).
Protein change: p.His501fs; shifts the reading frame from histidine 501.
Molecular consequence: frameshift variant.
Genome position (GRCh38, 1-based): chr2:47,799,485-47,799,494, ATATATCCAA deleted. VCF-style (leftmost placement, unchanged base first): chr2-47799484-CATATATCCAA-C. GRCh37 (hg19) VCF-style: chr2-48026623-CATATATCCAA-C.
Other names: c.1502_1511delATATATCCAA (NM_000179.2); c.1112_1121del, p.His371fs (NM_001281492.2); c.596_605del, p.His199fs (NM_001281493.2, NM_001281494.2); short protein forms H371fs, H199fs, H501fs.
Identifiers: ClinVar variation 234484 (VCV000234484.5), dbSNP rs876661044, ClinGen allele CA10577264.

ClinVar aggregate classification (germline): Pathogenic. Review status: criteria provided, multiple submitters, no conflicts (2 of 4 stars). 2 submissions from 2 submitters: Pathogenic (2). Last evaluated 2026-01-16.

Conditions:
Hereditary nonpolyposis colorectal neoplasms. Identifiers: MedGen C0009405, MeSH D003123.

Submissions (2):

Labcorp Genetics (formerly Invitae), Labcorp
Classification: Pathogenic for Hereditary nonpolyposis colorectal neoplasms. Last evaluated: 2026-01-16. Review status: criteria provided, single submitter. Criteria: Invitae Variant Classification Sherloc (09022015). Collection method: clinical testing. Allele origin: germline.
Comment: This sequence change creates a premature translational stop signal (p.His501Argfs*6) in the MSH6 gene. It is expected to result in an absent or disrupted protein product. Loss-of-function variants in MSH6 are known to be pathogenic (PMID: 18269114, 24362816). This variant is not present in population databases (gnomAD no frequency). This premature translational stop signal has been observed in individual(s) with ovarian cancer (PMID: 30322717). ClinVar contains an entry for this variant (Variation ID: 234484). For these reasons, this variant has been classified as Pathogenic.

GeneDx
Classification: Pathogenic. Last evaluated: 2024-01-26. Review status: criteria provided, single submitter. Criteria: GeneDx Variant Classification Process June 2021. Collection method: clinical testing. Allele origin: germline. Affected: yes.
Comment: Frameshift variant predicted to result in protein truncation or nonsense mediated decay in a gene for which loss-of-function is a known mechanism of disease; Not observed at significant frequency in large population cohorts (gnomAD); Truncating variants in this gene are considered pathogenic by a well-established clinical consortium and/or database; Observed in individuals with a personal or family history including ovarian cancer (PMID: 30322717); This variant is associated with the following publications: (PMID: 27535533, 30322717)

Literature cited by the submitters: PubMed 18269114 (cited by Labcorp Genetics (formerly Invitae), Labcorp); PubMed 24362816 (cited by Labcorp Genetics (formerly Invitae), Labcorp); PubMed 30322717 (cited by Labcorp Genetics (formerly Invitae), Labcorp).